The following is an entry in ClinVar:

ClinVar aggregate classification (germline): Uncertain significance (1 of 4 stars; one submission).

Submission:

GeneDx
Classification: Uncertain significance. Last evaluated: 2022-01-06. Review status: criteria provided, single submitter. Criteria: GeneDx Variant Classification Process June 2021. Collection method: clinical testing. Allele origin: germline. Affected: yes.
Comment: Not observed at significant frequency in large population cohorts (gnomAD); In silico analysis supports that this missense variant does not alter protein structure/function; Has not been previously published as pathogenic or benign to our knowledge

NM_003922.4(HERC1):c.4745T>C (p.Leu1582Pro)

Gene: HERC1 (HECT and RLD domain containing E3 ubiquitin protein ligase family member 1; minus strand). Cytogenetic location: 15q22.31.
Variant type: single nucleotide variant.
Coding change: c.4745T>C on transcript NM_003922.4 (MANE Select); coding-DNA position 4745, T replaced by C.
Protein change: p.Leu1582Pro; replaces leucine 1582 with proline.
Molecular consequence: missense variant.
Genome position (GRCh38, 1-based): chr15:63,698,888, A>G on the plus strand (T>C on the coding strand, the complement: HERC1 is on the minus strand). VCF-style: chr15-63698888-A-G. GRCh37 (hg19) VCF-style: chr15-63991087-A-G.
Other names: short protein forms L1582P.
Identifiers: ClinVar variation 1695611 (VCV001695611.2), dbSNP rs2153068646, ClinGen allele CA392750671.